The following is an entry in ClinVar:

ClinVar aggregate classification (germline): Pathogenic (1 of 4 stars; one submission).

Submission:

Labcorp Genetics (formerly Invitae), Labcorp
Classification: Pathogenic. Last evaluated: 2024-03-28. Review status: criteria provided, single submitter. Criteria: Invitae Variant Classification Sherloc (09022015). Collection method: clinical testing. Allele origin: germline.
Comment: This sequence change creates a premature translational stop signal (p.His104Glnfs*5) in the HACD1 gene. It is expected to result in an absent or disrupted protein product. Loss-of-function variants in HACD1 are known to be pathogenic (PMID: 23933735). This variant is not present in population databases (gnomAD no frequency). This variant has not been reported in the literature in individuals affected with HACD1-related conditions. For these reasons, this variant has been classified as Pathogenic.

Literature cited by the submitters: PubMed 23933735.

NM_014241.4(HACD1):c.312_313del (p.His104fs)

Gene: HACD1 (3-hydroxyacyl-CoA dehydratase 1; minus strand). Cytogenetic location: 10p12.33.
Variant type: Microsatellite.
Coding change: c.312_313del on transcript NM_014241.4 (MANE Select); coding-DNA positions 312 to 313, 2 bases deleted (CA; older notation c.312_313delCA).
Protein change: p.His104fs; shifts the reading frame from histidine 104.
Molecular consequence: frameshift variant.
Genome position (GRCh38, 1-based): chr10:17,603,992-17,603,993, TG deleted on the plus strand (CA on the coding strand, the reverse complement: HACD1 is on the minus strand); deleting any 2 consecutive bases within chr10:17,603,992-17,603,998 gives the same sequence; the c. name uses the placement nearest the transcript's 3' end. VCF-style (leftmost placement, unchanged base first): chr10-17603991-CTG-C. GRCh37 (hg19) VCF-style: chr10-17645990-CTG-C.
Other names: short protein forms H104fs.
Identifiers: ClinVar variation 3631030 (VCV003631030.2).